The following is an entry in ClinVar:

NM_001166108.2(PALLD):c.1965-12853C>G

Gene: PALLD (palladin, cytoskeletal associated protein; plus strand). Cytogenetic location: 4q32.3.
Variant type: single nucleotide variant.
Coding change: c.1965-12853C>G on transcript NM_001166108.2 (MANE Select); 12853 bases into the intron before coding-DNA position 1965, C replaced by G.
Molecular consequence: intron variant. On other transcripts: missense variant (1).
Genome position (GRCh38, 1-based): chr4:168,878,069, C>G. VCF-style: chr4-168878069-C-G. GRCh37 (hg19) VCF-style: chr4-169799220-C-G.
Other names: c.178C>G, p.Gln60Glu (NM_001166110.2); c.1965-12853C>G (NM_016081.4); c.819-12853C>G (NM_001166109.2); c.-157-12853C>G (NM_001367570.1, NM_001367568.1, NM_001367567.1 and 1 more transcripts); short protein forms Q60E.
Identifiers: ClinVar variation 3208124 (VCV003208124.2), dbSNP rs781525568, ClinGen allele CA358795370.

ClinVar aggregate classification (germline): Uncertain significance (1 of 4 stars; one submission).

Allele frequency attached by ClinVar (database versions not stated): TOPMed 0.00001.

Submission:

Ambry Genetics
Classification: Uncertain significance. Last evaluated: 2025-10-11. Review status: criteria provided, single submitter. Criteria: Ambry Variant Classification Scheme 2023. Collection method: clinical testing. Allele origin: germline.
Comment: The p.Q60E variant (also known as c.178C>G), located in coding exon 1 of the PALLD gene, results from a C to G substitution at nucleotide position 178. The glutamine at codon 60 is replaced by glutamic acid, an amino acid with highly similar properties. This amino acid position is conserved. In addition, this alteration is predicted to be tolerated by in silico analysis. Based on the available evidence, the clinical significance of this variant remains unclear.